The following is an entry in ClinVar:

NM_000238.4(KCNH2):c.2965+8G>A

Gene: KCNH2 (potassium voltage-gated channel subfamily H member 2; minus strand). Cytogenetic location: 7q36.1.
Variant type: single nucleotide variant.
Coding change: c.2965+8G>A on transcript NM_000238.4 (MANE Select); 8 bases into the intron after coding-DNA position 2965, G replaced by A.
Molecular consequence: intron variant.
Genome position (GRCh38, 1-based): chr7:150,947,598, C>T on the plus strand (G>A on the coding strand, the complement: KCNH2 is on the minus strand). VCF-style: chr7-150947598-C-T. GRCh37 (hg19) VCF-style: chr7-150644686-C-T.
Other names: p.?; c.1945+8G>A (NM_172057.3).
Identifiers: ClinVar variation 1623711 (VCV001623711.9), dbSNP rs749079285, ClinGen allele CA036011.

ClinVar aggregate classification (germline): Likely benign. Review status: criteria provided, multiple submitters, no conflicts (2 of 4 stars). 2 submissions from 2 submitters: Likely benign (2). Last evaluated 2026-01-05.

Conditions:
Long QT syndrome (LQTS). Identifiers: MedGen C0023976, MeSH D008133, MONDO:0002442. Disease mechanism: loss of function. Inheritance: Various modes of inheritance.

Allele frequency attached by ClinVar (database versions not stated): ExAC 0.00001; gnomAD exomes 0.00002.
gnomAD v4.1: 11 of 1,612,184 alleles (0.00068%); highest among the groups gnomAD compares: East Asian, 0.013%; no homozygotes.

Submissions (2):

Labcorp Genetics (formerly Invitae), Labcorp
Classification: Likely benign for Long QT syndrome. Last evaluated: 2026-01-05. Review status: criteria provided, single submitter. Criteria: Invitae Variant Classification Sherloc (09022015). Collection method: clinical testing. Allele origin: germline.

Mayo Clinic Laboratories, Mayo Clinic
Classification: Likely benign. Last evaluated: 2025-10-31. Review status: criteria provided, single submitter. Criteria: ACMG Guidelines, 2015. Collection method: clinical testing. Allele origin: germline. Observed: 1 variant allele.
Comment: BP4, BP7